The following is an entry in ClinVar:

NM_001130987.2(DYSF):c.1678C>G (p.Leu560Val)

Gene: DYSF (dysferlin; plus strand). Cytogenetic location: 2p13.2.
Variant type: single nucleotide variant.
Coding change: c.1678C>G on transcript NM_001130987.2 (MANE Select); coding-DNA position 1678, C replaced by G.
Protein change: p.Leu560Val; replaces leucine 560 with valine.
Molecular consequence: missense variant.
Genome position (GRCh38, 1-based): chr2:71,551,142, C>G. VCF-style: chr2-71551142-C-G. GRCh37 (hg19) VCF-style: chr2-71778272-C-G.
Other names: c.1627C>G, p.Leu543Val (NM_001130455.2, NM_001130983.2); c.1582C>G, p.Leu528Val (NM_001130976.2, NM_001130977.2); c.1624C>G, p.Leu542Val (NM_001130978.2, NM_003494.4); c.1717C>G, p.Leu573Val (NM_001130979.2); c.1675C>G, p.Leu559Val (NM_001130980.2, NM_001130981.2); c.1720C>G, p.Leu574Val (NM_001130982.2); c.1585C>G, p.Leu529Val (NM_001130984.2, NM_001130986.2); c.1678C>G, p.Leu560Val (NM_001130985.2); short protein forms L529V, L528V, L543V, L573V, L574V, L542V, L559V, L560V.
Identifiers: ClinVar variation 2102928 (VCV002102928.4), dbSNP rs2545669050, ClinGen allele CA347217508.
Genomic context (GRCh38, chr2:71,551,142, plus strand): 5'-TACATCAACCTCTATGGCAGTCCCAGAGAGTTCACAGGCTTCCCAGACCCCTACACAGAG[C>G]TCAACACAGGCAAGGTAAGCCGGCTGGAGCCCTGGCAAGGGCAGGATGCCAGATGCCCAG-3'
Protein context (NP_001124459.1, residues 550-570): FTGFPDPYTE[Leu560Val]NTGKGEGVAY

ClinVar aggregate classification (germline): Uncertain significance (1 of 4 stars; one submission).

Conditions:
Neuromuscular disease caused by qualitative or quantitative defects of dysferlin. Also called: Qualitative or quantitative defects of dysferlin; Dysferlinopathy. Identifiers: Orphanet 207073, MedGen C2931687, MONDO:0016145.

Submission:

Labcorp Genetics (formerly Invitae), Labcorp
Classification: Uncertain significance for Neuromuscular disease caused by qualitative or quantitative defects of dysferlin. Last evaluated: 2022-02-24. Review status: criteria provided, single submitter. Criteria: Invitae Variant Classification Sherloc (09022015). Collection method: clinical testing. Allele origin: germline.
Comment: This variant has not been reported in the literature in individuals affected with DYSF-related conditions. In summary, the available evidence is currently insufficient to determine the role of this variant in disease. Therefore, it has been classified as a Variant of Uncertain Significance. Algorithms developed to predict the effect of missense changes on protein structure and function are either unavailable or do not agree on the potential impact of this missense change (SIFT: "Deleterious"; PolyPhen-2: "Probably Damaging"; Align-GVGD: "Class C0"). This variant is not present in population databases (gnomAD no frequency). This sequence change replaces leucine, which is neutral and non-polar, with valine, which is neutral and non-polar, at codon 542 of the DYSF protein (p.Leu542Val).